The following is an entry in ClinVar:

ClinVar aggregate classification (germline): Benign. Review status: criteria provided, multiple submitters, no conflicts (2 of 4 stars). 2 submissions from 2 submitters: Benign (2). Last evaluated 2018-01-13.

Conditions:
Short-rib thoracic dysplasia 6 with or without polydactyly (SRTD6). Also called: POLYDACTYLY WITH NEONATAL CHONDRODYSTROPHY, TYPE II; Majewski Syndrome; SHORT RIB-POLYDACTYLY SYNDROME, TYPE IIA; SHORT-RIB THORACIC DYSPLASIA 6 WITH POLYDACTYLY; SHORT-RIB THORACIC DYSPLASIA 6 WITHOUT POLYDACTYLY. Identifiers: MedGen C0024507, MONDO:0009894, OMIM 263520.

Allele frequency attached by ClinVar (database versions not stated): gnomAD exomes 0.02885; 1000 Genomes Project 0.07169; gnomAD 0.07176 and 0.07715; 1000 Genomes Project 30x 0.07698; TOPMed 0.08188.
gnomAD v4.1: 10,798 of 151,952 alleles (7.1%); highest among the groups gnomAD compares: African/African-American, 25%; 1,260 homozygotes.

Submissions (2):

Illumina Laboratory Services, Illumina
Classification: Benign for Short-rib thoracic dysplasia 6 with or without polydactyly. Last evaluated: 2018-01-13. Review status: criteria provided, single submitter. Criteria: ICSL Variant Classification Criteria 13 December 2019. Collection method: clinical testing. Allele origin: germline.
Comment: This variant was observed in the ICSL laboratory as part of a predisposition screen in an ostensibly healthy population. It had not been previously curated by ICSL or reported in the Human Gene Mutation Database (HGMD: prior to June 1st, 2018), and was therefore a candidate for classification through an automated scoring system. Utilizing variant allele frequency, disease prevalence and penetrance estimates, and inheritance mode, an automated score was calculated to assess if this variant is too frequent to cause the disease. Based on the score and internal cut-off values, a variant classified as benign is not then subjected to further curation. The score for this variant resulted in a classification of benign for this disease.

Breakthrough Genomics
Classification: Benign. Review status: criteria provided, single submitter. Criteria: ACMG Guidelines, 2015. Collection method: not provided. Allele origin: germline. Inheritance: Autosomal recessive inheritance. Affected: yes.

NM_001199397.3(NEK1):c.-528G>A

Gene: NEK1 (NIMA related kinase 1; minus strand). Cytogenetic location: 4q33.
Variant type: single nucleotide variant.
Coding change: c.-528G>A on transcript NM_001199397.3 (MANE Select); 528 bases upstream of the start codon, G replaced by A.
Molecular consequence: 5 prime UTR variant. On other transcripts: non-coding transcript variant (2).
Genome position (GRCh38, 1-based): chr4:169,612,577, C>T on the plus strand (G>A on the coding strand, the complement: NEK1 is on the minus strand). VCF-style: chr4-169612577-C-T. GRCh37 (hg19) VCF-style: chr4-170533728-C-T.
Other names: c.-528G>A (NM_001199398.3, NM_001199399.3, NM_001374419.1 and 3 more transcripts); c.-606G>A (NM_001199400.3, NM_001374418.1, NM_001374423.1 and 1 more transcripts).
Identifiers: ClinVar variation 348133 (VCV000348133.6), dbSNP rs75976017, ClinGen allele CA10620455.